The following is an entry in ClinVar:

ClinVar aggregate classification (germline): Uncertain significance (1 of 4 stars; one submission).

Conditions:
Hereditary cancer-predisposing syndrome. Also called: Tumor predisposition; Neoplastic Syndromes, Hereditary; Hereditary Cancer Syndrome; Hereditary neoplastic syndrome. Identifiers: Orphanet 140162, MedGen C0027672, MeSH D009386, MONDO:0015356.

gnomAD v4.1: 4 of 1,611,382 alleles (0.00025%); highest among the groups gnomAD compares: Admixed American, 0.005%; no homozygotes.

Submission:

Ambry Genetics
Classification: Uncertain significance for Hereditary cancer-predisposing syndrome. Last evaluated: 2024-10-20. Review status: criteria provided, single submitter. Criteria: Ambry Variant Classification Scheme 2023. Collection method: clinical testing. Allele origin: germline.
Comment: The p.V57I variant (also known as c.169G>A), located in coding exon 2 of the EPCAM gene, results from a G to A substitution at nucleotide position 169. The valine at codon 57 is replaced by isoleucine, an amino acid with highly similar properties. This amino acid position is conserved. In addition, this alteration is predicted to be tolerated by in silico analysis. Based on the available evidence, the clinical significance of this variant remains unclear.

NM_002354.3(EPCAM):c.169G>A (p.Val57Ile)

Gene: EPCAM (epithelial cell adhesion molecule; plus strand). Cytogenetic location: 2p21.
Variant type: single nucleotide variant.
Coding change: c.169G>A on transcript NM_002354.3 (MANE Select); coding-DNA position 169, G replaced by A.
Protein change: p.Val57Ile; replaces valine 57 with isoleucine.
Molecular consequence: missense variant.
Genome position (GRCh38, 1-based): chr2:47,373,555, G>A. VCF-style: chr2-47373555-G-A. GRCh37 (hg19) VCF-style: chr2-47600694-G-A.
Other names: short protein forms V57I.
Identifiers: ClinVar variation 3509195 (VCV003509195.1).